The following is an entry in ClinVar:

NM_001080449.3(DNA2):c.2616T>G (p.Phe872Leu)

Gene: DNA2 (DNA replication helicase/nuclease 2; minus strand). Cytogenetic location: 10q21.3.
Variant type: single nucleotide variant.
Coding change: c.2616T>G on transcript NM_001080449.3 (MANE Select); coding-DNA position 2616, T replaced by G.
Protein change: p.Phe872Leu; replaces phenylalanine 872 with leucine.
Molecular consequence: missense variant. On other transcripts: non-coding transcript variant (1).
Genome position (GRCh38, 1-based): chr10:68,422,306, A>C on the plus strand (T>G on the coding strand, the complement: DNA2 is on the minus strand). VCF-style: chr10-68422306-A-C. GRCh37 (hg19) VCF-style: chr10-70182063-A-C.
Other names: c.2616T>G (NM_001080449.2); short protein forms F872L.
Identifiers: ClinVar variation 3699462 (VCV003699462.3).

ClinVar aggregate classification (germline): Uncertain significance. Review status: criteria provided, multiple submitters, no conflicts (2 of 4 stars). 2 submissions from 2 submitters: Uncertain significance (2). Last evaluated 2025-06-07.

Conditions:
Inborn genetic diseases. Identifiers: MedGen C0950123, MeSH D030342.

gnomAD v4.1: 3 of 1,613,956 alleles (0.00019%); highest among the groups gnomAD compares: African/African-American, 0.0027%; no homozygotes.

Submissions (2):

Ambry Genetics
Classification: Uncertain significance for Inborn genetic diseases. Last evaluated: 2025-06-07. Review status: criteria provided, single submitter. Criteria: Ambry Variant Classification Scheme 2023. Collection method: clinical testing. Allele origin: germline.

Labcorp Genetics (formerly Invitae), Labcorp
Classification: Uncertain significance. Last evaluated: 2024-05-13. Review status: criteria provided, single submitter. Criteria: Invitae Variant Classification Sherloc (09022015). Collection method: clinical testing. Allele origin: germline.
Comment: This sequence change replaces phenylalanine, which is neutral and non-polar, with leucine, which is neutral and non-polar, at codon 872 of the DNA2 protein (p.Phe872Leu). This variant is not present in population databases (gnomAD no frequency). This variant has not been reported in the literature in individuals affected with DNA2-related conditions. Algorithms developed to predict the effect of missense changes on protein structure and function output the following: SIFT: "Not Available"; PolyPhen-2: "Not Available"; Align-GVGD: "Not Available". The leucine amino acid residue is found in multiple mammalian species, which suggests that this missense change does not adversely affect protein function. In summary, the available evidence is currently insufficient to determine the role of this variant in disease. Therefore, it has been classified as a Variant of Uncertain Significance.